The following is an entry in ClinVar:

ClinVar aggregate classification (germline): Pathogenic. Review status: criteria provided, single submitter (1 of 4 stars). 2 submissions from 2 submitters: Pathogenic (1). 1 of the submissions does not count toward it. Last evaluated 2022-09-27.

Conditions:
Hyperphenylalaninemia due to DNAJC12 deficiency. Also called: Hyperphenylalaninemia, mild, non-bh4-deficient. Identifiers: Orphanet 508523, MedGen C4479270, MONDO:0044304, OMIM 617384.

Submissions (2):

Labcorp Genetics (formerly Invitae), Labcorp
Classification: Pathogenic. Last evaluated: 2022-09-27. Review status: criteria provided, single submitter. Criteria: Invitae Variant Classification Sherloc (09022015). Collection method: clinical testing. Allele origin: germline.
Comment: ClinVar contains an entry for this variant (Variation ID: 694074). For these reasons, this variant has been classified as Pathogenic. This variant has not been reported in the literature in individuals affected with DNAJC12-related conditions. This sequence change creates a premature translational stop signal (p.Lys63*) in the DNAJC12 gene. It is expected to result in an absent or disrupted protein product. Loss-of-function variants in DNAJC12 are known to be pathogenic (PMID: 28132689, 28892570). This variant is not present in population databases (gnomAD no frequency).

OMIM
Classification: Pathogenic for HYPERPHENYLALANINEMIA, MILD, NON-BH4-DEFICIENT. Last evaluated: 2019-11-01. Review status: no assertion criteria provided. Collection method: literature only. Allele origin: germline. Not counted in ClinVar's aggregate classification.

Literature cited by the submitters: PubMed 28132689 (cited by Labcorp Genetics (formerly Invitae), Labcorp); PubMed 28892570 (cited by Labcorp Genetics (formerly Invitae), Labcorp and OMIM); PubMed 9159748 (cited by OMIM).

NM_021800.3(DNAJC12):c.187A>T (p.Lys63Ter)

Gene: DNAJC12 (DnaJ heat shock protein family (Hsp40) member C12; minus strand). Cytogenetic location: 10q21.3.
Variant type: single nucleotide variant.
Coding change: c.187A>T on transcript NM_021800.3 (MANE Select); coding-DNA position 187, A replaced by T.
Protein change: p.Lys63Ter; replaces lysine 63 with a stop codon.
Molecular consequence: nonsense.
Genome position (GRCh38, 1-based): chr10:67,811,634, T>A on the plus strand (A>T on the coding strand, the complement: DNAJC12 is on the minus strand). VCF-style: chr10-67811634-T-A. GRCh37 (hg19) VCF-style: chr10-69571392-T-A.
Other names: c.187A>T, p.Lys63Ter (NM_201262.2); short protein forms K63*.
Identifiers: ClinVar variation 694074 (VCV000694074.6), dbSNP rs761235755, ClinGen allele CA377098772.